The following is an entry in ClinVar:

ClinVar aggregate classification (germline): Uncertain significance (1 of 4 stars; one submission).

gnomAD v4.1: 1 of 1,614,220 alleles (0.000062%); highest among the groups gnomAD compares: Non-Finnish European, 0.000085%; no homozygotes.

Submission:

Labcorp Genetics (formerly Invitae), Labcorp
Classification: Uncertain significance. Last evaluated: 2024-08-15. Review status: criteria provided, single submitter. Criteria: Invitae Variant Classification Sherloc (09022015). Collection method: clinical testing. Allele origin: germline.
Comment: This sequence change replaces glycine, which is neutral and non-polar, with valine, which is neutral and non-polar, at codon 288 of the COL4A2 protein (p.Gly288Val). This variant is not present in population databases (gnomAD no frequency). This variant has not been reported in the literature in individuals affected with COL4A2-related conditions. An algorithm developed to predict the effect of missense changes on protein structure and function (PolyPhen-2) suggests that this variant is likely to be disruptive. In summary, the available evidence is currently insufficient to determine the role of this variant in disease. Therefore, it has been classified as a Variant of Uncertain Significance.

NM_001846.4(COL4A2):c.863G>T (p.Gly288Val)

Gene: COL4A2 (collagen type IV alpha 2 chain; plus strand). Cytogenetic location: 13q34.
Variant type: single nucleotide variant.
Coding change: c.863G>T on transcript NM_001846.4 (MANE Select); coding-DNA position 863, G replaced by T.
Protein change: p.Gly288Val; replaces glycine 288 with valine.
Molecular consequence: missense variant.
Genome position (GRCh38, 1-based): chr13:110,438,619, G>T. VCF-style: chr13-110438619-G-T. GRCh37 (hg19) VCF-style: chr13-111090966-G-T.
Other names: short protein forms G288V.
Identifiers: ClinVar variation 3621640 (VCV003621640.2).
Genomic context (GRCh38, chr13:110,438,619, plus strand): 5'-CTGTTGGCTGGAGGGGCCGCCCCTGGGTTGCTCCTTACGCCCCCTCTGCTCTCTCCTAGG[G>T]CATTTCCTTGAAGGGAGAAGAAGGAATCATGGGCTTTCCTGGACTGAGGGTAAACCACGC-3'
Protein context (NP_001837.2, residues 278-298): KGSEGEPGIR[Gly288Val]ISLKGEEGIM